The following is an entry in ClinVar:

NM_001385641.1(SAMD11):c.1609C>T (p.Gln537Ter)

Gene: SAMD11 (sterile alpha motif domain containing 11; plus strand). Cytogenetic location: 1p36.33.
Variant type: single nucleotide variant.
Coding change: c.1609C>T on transcript NM_001385641.1 (MANE Select); coding-DNA position 1609, C replaced by T.
Protein change: p.Gln537Ter; replaces glutamine 537 with a stop codon.
Molecular consequence: nonsense.
Genome position (GRCh38, 1-based): chr1:942,614, C>T. VCF-style: chr1-942614-C-T. GRCh37 (hg19) VCF-style: chr1-877994-C-T.
Other names: c.1612C>T, p.Gln538Ter (NM_001385640.1); c.1120C>T, p.Gln374Ter (NM_152486.4); short protein forms Q374*, Q538*, Q537*.
Identifiers: ClinVar variation 2007171 (VCV002007171.4), dbSNP rs749005506, ClinGen allele CA337808359.

ClinVar aggregate classification (germline): Uncertain significance (1 of 4 stars; one submission).

gnomAD v4.1: 1 of 1,438,172 alleles (0.00007%); highest among the groups gnomAD compares: Non-Finnish European, 0.000091%; no homozygotes.

Submission:

Labcorp Genetics (formerly Invitae), Labcorp
Classification: Uncertain significance. Last evaluated: 2022-06-17. Review status: criteria provided, single submitter. Criteria: Invitae Variant Classification Sherloc (09022015). Collection method: clinical testing. Allele origin: germline.
Comment: In summary, the available evidence is currently insufficient to determine the role of this variant in disease. Therefore, it has been classified as a Variant of Uncertain Significance. This variant has not been reported in the literature in individuals affected with SAMD11-related conditions. This variant is not present in population databases (gnomAD no frequency). This sequence change creates a premature translational stop signal (p.Gln374*) in the SAMD11 gene. It is expected to result in an absent or disrupted protein product. However, the current clinical and genetic evidence is not sufficient to establish whether loss-of-function variants in SAMD11 cause disease.